The following is an entry in ClinVar:

NM_005110.4(GFPT2):c.*18G>A

Gene: GFPT2 (glutamine-fructose-6-phosphate transaminase 2; minus strand). Cytogenetic location: 5q35.3.
Variant type: single nucleotide variant.
Coding change: c.*18G>A on transcript NM_005110.4 (MANE Select); 18 bases downstream of the stop codon, G replaced by A.
Molecular consequence: 3 prime UTR variant.
Genome position (GRCh38, 1-based): chr5:180,301,546, C>T on the plus strand (G>A on the coding strand, the complement: GFPT2 is on the minus strand). VCF-style: chr5-180301546-C-T. GRCh37 (hg19) VCF-style: chr5-179728546-C-T.
Identifiers: ClinVar variation 3045538 (VCV003045538.2), dbSNP rs372543131, ClinGen allele CA3604191.
Genomic context (GRCh38, chr5:180,301,546, plus strand): 5'-TCCCATGTAGCATCCCTGCTGTTGGGACAGGTCTGGAATCAGATGAAAGGTGGTGATGGT[C>T]TTGTCACGGTCTCAGCCTCATTCCACAGTTACAGACTTGGCCAGATTTCTGGGGAAGTCA-3'

ClinVar aggregate classification (germline): Likely benign (0 of 4 stars; one submission).

Conditions:
GFPT2-related disorder. Also called: GFPT2-related condition.

Allele frequency attached by ClinVar (database versions not stated): 1000 Genomes Project 30x 0.00016; gnomAD exomes 0.00026; ExAC 0.00031; gnomAD 0.00038; 1000 Genomes Project 0.00040; ESP Exome Variant Server 0.00040; TOPMed 0.00052.
gnomAD v4.1: 453 of 1,604,556 alleles (0.028%); highest among the groups gnomAD compares: Admixed American, 0.093%; no homozygotes.

Submission:

PreventionGenetics, part of Exact Sciences
Classification: Likely benign for GFPT2-related condition. Last evaluated: 2021-06-18. Review status: no assertion criteria provided. Collection method: clinical testing. Allele origin: germline.
Comment: This variant is classified as likely benign based on ACMG/AMP sequence variant interpretation guidelines (Richards et al. 2015 PMID: 25741868, with internal and published modifications).